The following is an entry in ClinVar:

ClinVar aggregate classification (germline): Pathogenic (1 of 4 stars; one submission).

Conditions:
Neuropathy, hereditary sensory and autonomic, type 2A (HSAN2A). Also called: ACROOSTEOLYSIS, GIACCAI TYPE; ACROOSTEOLYSIS, NEUROGENIC; MORVAN DISEASE; NEUROPATHY, CONGENITAL SENSORY; NEUROPATHY, HEREDITARY SENSORY RADICULAR, AUTOSOMAL RECESSIVE; NEUROPATHY, HEREDITARY SENSORY, TYPE IIA. Identifiers: Orphanet 970, MedGen C2752089, MONDO:0024309, OMIM 201300.
Generalized epilepsy with febrile seizures plus, type 7 (GEFSP7). Also called: GEFS+, TYPE 7. Identifiers: Orphanet 36387, MedGen C2751778, MONDO:0013470, OMIM 613863.

Allele frequency attached by ClinVar (database versions not stated): gnomAD 0.00001; TOPMed 0.00003.
gnomAD v4.1: 3 of 1,614,002 alleles (0.00019%); highest among the groups gnomAD compares: Admixed American, 0.0033%; no homozygotes.

Submission:

Labcorp Genetics (formerly Invitae), Labcorp
Classification: Pathogenic for Neuropathy, hereditary sensory and autonomic, type 2A; Generalized epilepsy with febrile seizures plus, type 7. Last evaluated: 2023-11-25. Review status: criteria provided, single submitter. Criteria: Invitae Variant Classification Sherloc (09022015). Collection method: clinical testing. Allele origin: germline.
Comment: This sequence change creates a premature translational stop signal (p.Ser635*) in the SCN9A gene. It is expected to result in an absent or disrupted protein product. Loss-of-function variants in SCN9A are known to be pathogenic (PMID: 17470132, 19304393). This variant is not present in population databases (gnomAD no frequency). This variant has not been reported in the literature in individuals affected with SCN9A-related conditions. ClinVar contains an entry for this variant (Variation ID: 538459). For these reasons, this variant has been classified as Pathogenic.

Literature cited by the submitters: PubMed 17470132; PubMed 19304393.

NM_001365536.1(SCN9A):c.1904C>G (p.Ser635Ter)

Genes: SCN1A-AS1 (SCN1A and SCN9A antisense RNA 1; plus strand), SCN9A (sodium voltage-gated channel alpha subunit 9; minus strand). Cytogenetic location: 2q24.3.
Variant type: single nucleotide variant.
Coding change: c.1904C>G on transcript NM_001365536.1 (MANE Select); coding-DNA position 1904, C replaced by G.
Protein change: p.Ser635Ter; replaces serine 635 with a stop codon.
Molecular consequence: nonsense.
Genome position (GRCh38, 1-based): chr2:166,284,523, G>C on the plus strand (C>G on the coding strand, the complement: SCN9A is on the minus strand). VCF-style: chr2-166284523-G-C. GRCh37 (hg19) VCF-style: chr2-167141033-G-C.
Other names: c.1904C>G, p.Ser635Ter (NM_002977.4); short protein forms S635*.
Identifiers: ClinVar variation 538459 (VCV000538459.7), dbSNP rs1411870484, ClinGen allele CA349082766.
Genomic context (GRCh38, chr2:166,284,523, plus strand): 5'-GAAGTTGCCTTATCTATTATCACCTCTGGCAGAAGCTGTCCATTGGGGAGCATGAGGGCT[G>C]AGCGTCCATCAACCAGGGAGACCACACCGTTGCAGTCCACAGCACTGTGCATTTTCCCGT-3'